The following is an entry in ClinVar:

NM_000059.4(BRCA2):c.1252T>C (p.Ser418Pro)

Gene: BRCA2 (BRCA2 DNA repair associated; plus strand). Cytogenetic location: 13q13.1.
Variant type: single nucleotide variant.
Coding change: c.1252T>C on transcript NM_000059.4 (MANE Select); coding-DNA position 1252, T replaced by C.
Protein change: p.Ser418Pro; replaces serine 418 with proline.
Molecular consequence: missense variant.
Genome position (GRCh38, 1-based): chr13:32,332,730, T>C. VCF-style: chr13-32332730-T-C. GRCh37 (hg19) VCF-style: chr13-32906867-T-C.
Other names: short protein forms S418P.
Identifiers: ClinVar variation 838354 (VCV000838354.13), dbSNP rs2072407631, ClinGen allele CA387762282.
Genomic context (GRCh38, chr13:32,332,730, plus strand): 5'-CTAACCCTTTCAGGTCTAAATGGAGCCCAGATGGAGAAAATACCCCTATTGCATATTTCT[T>C]CATGTGACCAAAATATTTCAGAAAAAGACCTATTAGACACAGAGAACAAAAGAAAGAAAG-3'
Protein context (NP_000050.3, residues 408-428): MEKIPLLHIS[Ser418Pro]CDQNISEKDL

ClinVar aggregate classification (germline): Conflicting classifications of pathogenicity. Review status: criteria provided, conflicting classifications (1 of 4 stars). 3 submissions from 3 submitters: Uncertain significance (2); Likely benign (1). Last evaluated 2024-01-26.

Conditions:
Hereditary breast ovarian cancer syndrome. Also called: Hereditary breast and ovarian cancer syndrome (HBOC); Hereditary breast and ovarian cancer; Hereditary breast and/or ovarian cancer syndrome; Hereditary breast and ovarian cancer syndrome; Breast and ovarian cancer; BRCA1- and BRCA2-Associated Hereditary Breast and Ovarian Cancer. Identifiers: Orphanet 145, MedGen C0677776, MeSH D061325, MONDO:0003582. Disease mechanism: loss of function.
Hereditary cancer-predisposing syndrome. Also called: Neoplastic Syndromes, Hereditary; Tumor predisposition; Hereditary neoplastic syndrome; Hereditary Cancer Syndrome. Identifiers: Orphanet 140162, MedGen C0027672, MeSH D009386, MONDO:0015356.

Allele frequency attached by ClinVar (database versions not stated): TOPMed below 0.00001.

Submissions (3):

Labcorp Genetics (formerly Invitae), Labcorp
Classification: Uncertain significance for Hereditary breast ovarian cancer syndrome. Last evaluated: 2024-01-26. Review status: criteria provided, single submitter. Criteria: Invitae Variant Classification Sherloc (09022015). Collection method: clinical testing. Allele origin: germline.
Comment: This sequence change replaces serine, which is neutral and polar, with proline, which is neutral and non-polar, at codon 418 of the BRCA2 protein (p.Ser418Pro). This variant is not present in population databases (gnomAD no frequency). This variant has not been reported in the literature in individuals affected with BRCA2-related conditions. ClinVar contains an entry for this variant (Variation ID: 838354). Advanced modeling of protein sequence and biophysical properties (such as structural, functional, and spatial information, amino acid conservation, physicochemical variation, residue mobility, and thermodynamic stability) performed at Invitae indicates that this missense variant is not expected to disrupt BRCA2 protein function with a negative predictive value of 95%. In summary, the available evidence is currently insufficient to determine the role of this variant in disease. Therefore, it has been classified as a Variant of Uncertain Significance.

University of Washington Department of Laboratory Medicine, University of Washington
Classification: Likely benign for Hereditary cancer-predisposing syndrome. Last evaluated: 2023-03-23. Review status: criteria provided, single submitter. Criteria: Dines et al. (Genet Med. 2020). Collection method: curation. Allele origin: germline.
Comment: Missense variant in a coldspot region where missense variants are very unlikely to be pathogenic (PMID:31911673).

BRCA2 exon 10 coldspot. Reclassification based on statistical prior probability.

Ambry Genetics
Classification: Uncertain significance for Hereditary cancer-predisposing syndrome. Last evaluated: 2022-10-09. Review status: criteria provided, single submitter. Criteria: Ambry Variant Classification Scheme 2023. Collection method: clinical testing. Allele origin: germline.
Comment: The p.S418P variant (also known as c.1252T>C), located in coding exon 9 of the BRCA2 gene, results from a T to C substitution at nucleotide position 1252. The serine at codon 418 is replaced by proline, an amino acid with similar properties. This amino acid position is conserved. In addition, this alteration is predicted to be tolerated by in silico analysis. Since supporting evidence is limited at this time, the clinical significance of this alteration remains unclear.